The following is an entry in ClinVar:

NM_199420.4(POLQ):c.3047T>C (p.Val1016Ala)

Gene: POLQ (DNA polymerase theta; minus strand). Cytogenetic location: 3q13.33.
Variant type: single nucleotide variant.
Coding change: c.3047T>C on transcript NM_199420.4 (MANE Select); coding-DNA position 3047, T replaced by C.
Protein change: p.Val1016Ala; replaces valine 1016 with alanine.
Molecular consequence: missense variant.
Genome position (GRCh38, 1-based): chr3:121,489,884, A>G on the plus strand (T>C on the coding strand, the complement: POLQ is on the minus strand). VCF-style: chr3-121489884-A-G. GRCh37 (hg19) VCF-style: chr3-121208731-A-G.
Other names: short protein forms V1016A.
Identifiers: ClinVar variation 1799203 (VCV001799203.2), dbSNP rs781652004, ClinGen allele CA2563138.

ClinVar aggregate classification (germline): Uncertain significance (1 of 4 stars; one submission).

Allele frequency attached by ClinVar (database versions not stated): gnomAD exomes below 0.00001; ExAC 0.00002; TOPMed 0.00002.
gnomAD v4.1: 2 of 1,603,826 alleles (0.00012%); highest among the groups gnomAD compares: East Asian, 0.0022%; no homozygotes.

Submission:

Ambry Genetics
Classification: Uncertain significance. Last evaluated: 2024-02-16. Review status: criteria provided, single submitter. Criteria: Ambry Variant Classification Scheme 2023. Collection method: clinical testing. Allele origin: germline.
Comment: The p.V1016A variant (also known as c.3047T>C), located in coding exon 16 of the POLQ gene, results from a T to C substitution at nucleotide position 3047. The valine at codon 1016 is replaced by alanine, an amino acid with similar properties. This amino acid position is conserved. In addition, this alteration is predicted to be tolerated by in silico analysis. Since supporting evidence is limited at this time, the clinical significance of this alteration remains unclear.